The following is an entry in ClinVar:

NM_001394062.1(MACF1):c.11584C>G (p.Leu3862Val)

Gene: MACF1 (microtubule actin crosslinking factor 1; plus strand). Cytogenetic location: 1p34.3.
Variant type: single nucleotide variant.
Coding change: c.11584C>G on transcript NM_001394062.1 (MANE Select); coding-DNA position 11584, C replaced by G.
Protein change: p.Leu3862Val; replaces leucine 3862 with valine.
Molecular consequence: missense variant.
Genome position (GRCh38, 1-based): chr1:39,357,534, C>G. VCF-style: chr1-39357534-C-G. GRCh37 (hg19) VCF-style: chr1-39823206-C-G.
Other names: c.5398C>G, p.Leu1800Val (NM_012090.5); short protein forms L1800V, L3862V.
Identifiers: ClinVar variation 3250855 (VCV003250855.20), dbSNP rs1647698933.

ClinVar aggregate classification (germline): Conflicting classifications of pathogenicity. Review status: criteria provided, conflicting classifications (1 of 4 stars). 2 submissions from 2 submitters: Uncertain significance (1); Likely benign (1). Last evaluated 2026-01-12.

Allele frequency attached by ClinVar (database versions not stated): gnomAD exomes below 0.00001.
gnomAD v4.1: 7 of 1,614,156 alleles (0.00043%); highest among the groups gnomAD compares: Non-Finnish European, 0.00059%; no homozygotes.

Submissions (2):

Labcorp Genetics (formerly Invitae), Labcorp
Classification: Likely benign. Last evaluated: 2026-01-12. Review status: criteria provided, single submitter. Criteria: Invitae Variant Classification Sherloc (09022015). Collection method: clinical testing. Allele origin: germline.

CeGaT Center for Human Genetics Tuebingen
Classification: Uncertain significance. Last evaluated: 2024-06-01. Review status: criteria provided, single submitter. Criteria: CeGaT Center For Human Genetics Tuebingen Variant Classification Criteria Version 2. Collection method: clinical testing. Allele origin: germline. Affected: yes. Observed: 1 variant allele.
Comment: MACF1: PM2, BP4